The following is an entry in ClinVar:

ClinVar aggregate classification (germline): Uncertain significance (1 of 4 stars; one submission).

gnomAD v4.1: 1 of 1,614,144 alleles (0.000062%); highest among the groups gnomAD compares: Non-Finnish European, 0.000085%; no homozygotes.

Submission:

Women's Health and Genetics/Laboratory Corporation of America, LabCorp
Classification: Uncertain significance. Last evaluated: 2025-06-11. Review status: criteria provided, single submitter. Criteria: LabCorp Variant Classification Summary - May 2015. Collection method: clinical testing. Allele origin: germline.
Comment: Variant summary: ACADVL c.1468G>A (p.Ala490Thr) results in a non-conservative amino acid change in the encoded protein sequence. Algorithms developed to predict the effect of missense changes on protein structure and function all suggest that this variant is likely to be disruptive. The variant was absent in 251362 control chromosomes. To our knowledge, no occurrence of c.1468G>A in individuals affected with Very Long Chain Acyl-CoA Dehydrogenase Deficiency and no experimental evidence demonstrating its impact on protein function have been reported. Other variants affecting the same codon has been classified as likely pathogenic/pathogenic (p.Ala490Val, p.Ala490Pro), supporting the critical relevance of codon 490 to ACADVL protein function. No submitters have cited clinical-significance assessments for this variant to ClinVar. Based on the evidence outlined above, the variant was classified as VUS-possibly pathogenic.

NM_000018.4(ACADVL):c.1468G>A (p.Ala490Thr)

Gene: ACADVL (acyl-CoA dehydrogenase very long chain; plus strand). Cytogenetic location: 17p13.1.
Variant type: single nucleotide variant.
Coding change: c.1468G>A on transcript NM_000018.4 (MANE Select); coding-DNA position 1468, G replaced by A.
Protein change: p.Ala490Thr; replaces alanine 490 with threonine.
Molecular consequence: missense variant.
Genome position (GRCh38, 1-based): chr17:7,224,179, G>A. VCF-style: chr17-7224179-G-A. GRCh37 (hg19) VCF-style: chr17-7127498-G-A.
Other names: c.1402G>A, p.Ala468Thr (NM_001033859.3); c.1537G>A, p.Ala513Thr (NM_001270447.2); c.1240G>A, p.Ala414Thr (NM_001270448.2); short protein forms A414T, A468T, A490T, A513T.
Identifiers: ClinVar variation 3907214 (VCV003907214.1).
Genomic context (GRCh38, chr17:7,224,179, plus strand): 5'-TGACTGCTGGACCCTCTTCCCCCATAGGACAAAGGAAAGGAGCTCTCTGGGCTTGGCAGT[G>A]CTCTAAAGAATCCCTTTGGGAATGCTGGCCTCCTGCTAGGAGAGGCAGGCAAACAGCTGA-3'
Protein context (NP_000009.1, residues 480-500): KGKELSGLGS[Ala490Thr]LKNPFGNAGL